The following is an entry in ClinVar:

ClinVar aggregate classification (germline): Uncertain significance (1 of 4 stars; one submission).

Submission:

GeneDx
Classification: Uncertain significance. Last evaluated: 2022-03-30. Review status: criteria provided, single submitter. Criteria: GeneDx Variant Classification Process June 2021. Collection method: clinical testing. Allele origin: germline. Affected: yes.
Comment: Not observed at significant frequency in large population cohorts (gnomAD); In silico analysis supports that this missense variant does not alter protein structure/function; Has not been previously published as pathogenic or benign to our knowledge

NM_001134673.4(NFIA):c.775C>T (p.Pro259Ser)

Gene: NFIA (nuclear factor I A; plus strand). Cytogenetic location: 1p31.3.
Variant type: single nucleotide variant.
Coding change: c.775C>T on transcript NM_001134673.4 (MANE Select); coding-DNA position 775, C replaced by T.
Protein change: p.Pro259Ser; replaces proline 259 with serine.
Molecular consequence: missense variant.
Genome position (GRCh38, 1-based): chr1:61,352,524, C>T. VCF-style: chr1-61352524-C-T. GRCh37 (hg19) VCF-style: chr1-61818196-C-T.
Other names: c.751C>T, p.Pro251Ser (NM_001145511.2); c.910C>T, p.Pro304Ser (NM_001145512.2); c.775C>T, p.Pro259Ser (NM_005595.5); short protein forms P251S, P259S, P304S.
Identifiers: ClinVar variation 1712142 (VCV001712142.2), dbSNP rs2525109571, ClinGen allele CA340587891.